The following is an entry in ClinVar:

NM_000063.6(C2):c.1187T>C (p.Leu396Pro)

Genes: C2 (complement C2; plus strand), C2-AS1 (C2 antisense RNA 1; minus strand). Cytogenetic location: 6p21.33.
Variant type: single nucleotide variant.
Coding change: c.1187T>C on transcript NM_000063.6 (MANE Select); coding-DNA position 1187, T replaced by C.
Protein change: p.Leu396Pro; replaces leucine 396 with proline.
Molecular consequence: missense variant.
Genome position (GRCh38, 1-based): chr6:31,939,288, T>C. VCF-style: chr6-31939288-T-C. GRCh37 (hg19) VCF-style: chr6-31907065-T-C.
Other names: c.791T>C, p.Leu264Pro (NM_001145903.3); c.545T>C, p.Leu182Pro (NM_001178063.3); c.449T>C, p.Leu150Pro (NM_001282457.2); c.1100T>C, p.Leu367Pro (NM_001282458.2); short protein forms L150P, L182P, L264P, L367P, L396P.
Identifiers: ClinVar variation 2415071 (VCV002415071.5), dbSNP rs754861058, ClinGen allele CA3727641.

ClinVar aggregate classification (germline): Uncertain significance (1 of 4 stars; one submission).

Allele frequency attached by ClinVar (database versions not stated): gnomAD exomes below 0.00001; ExAC 0.00001; gnomAD 0.00001; TOPMed 0.00002.
gnomAD v4.1: 6 of 1,612,470 alleles (0.00037%); highest among the groups gnomAD compares: Admixed American, 0.01%; no homozygotes.

Submission:

Labcorp Genetics (formerly Invitae), Labcorp
Classification: Uncertain significance. Last evaluated: 2022-04-26. Review status: criteria provided, single submitter. Criteria: Invitae Variant Classification Sherloc (09022015). Collection method: clinical testing. Allele origin: germline.
Comment: In summary, the available evidence is currently insufficient to determine the role of this variant in disease. Therefore, it has been classified as a Variant of Uncertain Significance. Algorithms developed to predict the effect of missense changes on protein structure and function (SIFT, PolyPhen-2, Align-GVGD) all suggest that this variant is likely to be disruptive. This variant has not been reported in the literature in individuals affected with C2-related conditions. This variant is present in population databases (rs754861058, gnomAD 0.01%). This sequence change replaces leucine, which is neutral and non-polar, with proline, which is neutral and non-polar, at codon 396 of the C2 protein (p.Leu396Pro).